The following is an entry in ClinVar:

ClinVar aggregate classification (germline): Uncertain significance (1 of 4 stars; one submission).

Submission:

CeGaT Center for Human Genetics Tuebingen
Classification: Uncertain significance. Last evaluated: 2024-02-01. Review status: criteria provided, single submitter. Criteria: CeGaT Center For Human Genetics Tuebingen Variant Classification Criteria Version 2. Collection method: clinical testing. Allele origin: germline. Affected: yes. Observed: 1 variant allele.
Comment: EYS: PM2

NM_001142800.2(EYS):c.2908T>C (p.Cys970Arg)

Gene: EYS (EGF-like photoreceptor maintenance factor; minus strand). Cytogenetic location: 6q12.
Variant type: single nucleotide variant.
Coding change: c.2908T>C on transcript NM_001142800.2 (MANE Select); coding-DNA position 2908, T replaced by C.
Protein change: p.Cys970Arg; replaces cysteine 970 with arginine.
Molecular consequence: missense variant.
Genome position (GRCh38, 1-based): chr6:64,886,781, A>G on the plus strand (T>C on the coding strand, the complement: EYS is on the minus strand). VCF-style: chr6-64886781-A-G. GRCh37 (hg19) VCF-style: chr6-65596674-A-G.
Other names: c.2908T>C, p.Cys970Arg (NM_001292009.2); short protein forms C970R.
Identifiers: ClinVar variation 3027082 (VCV003027082.22), dbSNP rs2533321377, ClinGen allele CA364788783.